The following is an entry in ClinVar:

ClinVar aggregate classification (germline): Likely pathogenic. Review status: reviewed by expert panel (3 of 4 stars). 2 submissions from 2 submitters: Likely pathogenic (1). 1 of the submissions does not count toward it. Last evaluated 2025-11-17.

Conditions:
Glycogen storage disease, type II (IOPD). Also called: CARDIOMEGALIA GLYCOGENICA DIFFUSA; GLYCOGENOSIS, GENERALIZED, CARDIAC FORM; GSD II; POMPE DISEASE, INFANTILE-ONSET; GLYCOGEN STORAGE DISEASE II, INFANTILE-ONSET; ACID ALPHA-GLUCOSIDASE DEFICIENCY, INFANTILE-ONSET. Identifiers: Orphanet 365, MedGen C0017921, MONDO:0009290, OMIM 232300.

Submissions (2):

ClinGen Lysosomal Storage Disorder Variant Curation Expert Panel
Classification: Likely pathogenic for Glycogen storage disease, type II. Last evaluated: 2025-11-17. Review status: reviewed by expert panel. Criteria: clingen_lsd_acmg_specifications_v2-1. Collection method: curation. Allele origin: germline. Inheritance: Autosomal recessive inheritance.
Comment: The NM_000152.5:c.1602_1605delinsAGG (p.Asn535GlyfsTer43) variant in GAA is a frameshift variant predicted to cause a premature stop codon in exon 12 out of 20 total exons, leading to nonsense mediated decay in a gene in which loss-of-function is an established disease mechanism (PVS1). This variant is absent in gnomAD v4.1.0. (PM2_Supporting). It has been reported in one patient who was diagnosed with infantile onset Pompe disease "based on clinical presentations and GAA enzyme activity assay" and who is compound heterozygous for the variant and c.796C>T (p.Pro266Ser) (PMID 28394184, 35747179). The allelic data from this patient was used in the classification of the missense change and is not included here to avoid circular logic. There is insufficient data to apply PP4. There is a ClinVar entry for this variant (Variation ID: 1693551). The classification of this variant has been upgraded from Variant of Uncertain Significance to Likely Pathogenic based on the recommendations of the ClinGen Sequence Variant Interpretation Working Group, that a variant meeting PVS1 and PM2_Supporting is classified as Likely Pathogenic. GAA-specific ACMG/AMP criteria applied, as specified by the ClinGen Lysosomal Diseases Variant Curation Expert Panel (Specifications Version 2.0.0): PVS1, PM2_Supporting. (Classification approved by the ClinGen Lysosomal Diseases Variant Curation Expert Panel on Nov. 17, 2025)

Genomenon, Inc
Classification: Pathogenic for Glycogen storage disease, type II. Last evaluated: 2026-07-01. Review status: criteria provided, single submitter. Criteria: Genomenon Sequence Variant Interpretation Standards - Updated. Collection method: curation. Allele origin: germline. Affected: yes. Not counted in ClinVar's aggregate classification.
Comment: GAA p.Asn535GlyfsTer43 (c.1602_1605delinsAGG) is a frameshift variant that is predicted to introduce a premature termination codon and result in a truncated or absent protein product. This variant has been observed in at least one proband with a GAA-related disorder (PMID:28394184). It is absent or not present at a significant frequency in gnomAD. In conclusion, we classify GAA p.Asn535GlyfsTer43 (c.1602_1605delinsAGG) as a pathogenic variant.

Literature cited by the submitters: PubMed 28394184 (cited by Genomenon, Inc).

NM_000152.5(GAA):c.1602_1605delinsAGG (p.Asn535fs)

Gene: GAA (alpha glucosidase; plus strand). Cytogenetic location: 17q25.3.
Variant type: Indel.
Coding change: c.1602_1605delinsAGG on transcript NM_000152.5 (MANE Select); coding-DNA positions 1602 to 1605, CAAC replaced by AGG.
Protein change: p.Asn535fs; shifts the reading frame from asparagine 535.
Molecular consequence: frameshift variant.
Genome position (GRCh38, 1-based): chr17:80,110,991-80,110,994, CAAC replaced by AGG. VCF-style: chr17-80110991-CAAC-AGG. GRCh37 (hg19) VCF-style: chr17-78084790-CAAC-AGG.
Other names: NM_001079804.3:c.1602_1605delinsAGG; c.1602_1605delinsAGG, p.Asn535fs (NM_001079803.3, NM_001079804.3); short protein forms N535fs.
Identifiers: ClinVar variation 1693551 (VCV001693551.3), dbSNP rs2143874754, ClinGen allele CA913184733.
Genomic context (GRCh38, chr17:80,110,991, plus strand): 5'-TCTCTTGCAGGACATGAACGAGCCTTCCAACTTCATCAGGGGCTCTGAGGACGGCTGCCC[CAAC>AGG]AATGAGCTGGAGAACCCACCCTACGTGCCTGGTCAGCTCGCCCCCCACCTACCCTGGGGA-3'